The following is an entry in ClinVar:

ClinVar aggregate classification (germline): Uncertain significance (1 of 4 stars; one submission).

Conditions:
Hypertrophic cardiomyopathy. Also called: HYPERTROPHIC MYOCARDIOPATHY. Identifiers: Orphanet 217569, MedGen C0007194, MeSH D002312, MONDO:0005045, HP:0001639.

Submission:

Labcorp Genetics (formerly Invitae), Labcorp
Classification: Uncertain significance for Hypertrophic cardiomyopathy. Last evaluated: 2022-11-08. Review status: criteria provided, single submitter. Criteria: Invitae Variant Classification Sherloc (09022015). Collection method: clinical testing. Allele origin: germline.
Comment: In summary, the available evidence is currently insufficient to determine the role of this variant in disease. Therefore, it has been classified as a Variant of Uncertain Significance. This variant disrupts the p.Thr857 amino acid residue in MYH7. Other variant(s) that disrupt this residue have been determined to be pathogenic (PMID: 28986455). This suggests that this residue is clinically significant, and that variants that disrupt this residue are likely to be disease-causing. Advanced modeling of protein sequence and biophysical properties (such as structural, functional, and spatial information, amino acid conservation, physicochemical variation, residue mobility, and thermodynamic stability) performed at Invitae indicates that this missense variant is not expected to disrupt MYH7 protein function. This variant has not been reported in the literature in individuals affected with MYH7-related conditions. This variant is not present in population databases (gnomAD no frequency). This sequence change replaces threonine, which is neutral and polar, with lysine, which is basic and polar, at codon 857 of the MYH7 protein (p.Thr857Lys).

Literature cited by the submitters: PubMed 28986455.

NM_000257.4(MYH7):c.2570C>A (p.Thr857Lys)

Genes: MYH7 (myosin heavy chain 7; minus strand), LOC126861898 (BRD4-independent group 4 enhancer GRCh37_chr14:23893609-23894808; plus strand). Cytogenetic location: 14q11.2.
Variant type: single nucleotide variant.
Coding change: c.2570C>A on transcript NM_000257.4 (MANE Select); coding-DNA position 2570, C replaced by A.
Protein change: p.Thr857Lys; replaces threonine 857 with lysine.
Molecular consequence: missense variant.
Genome position (GRCh38, 1-based): chr14:23,424,878, G>T on the plus strand (C>A on the coding strand, the complement: MYH7 is on the minus strand). VCF-style: chr14-23424878-G-T. GRCh37 (hg19) VCF-style: chr14-23894087-G-T.
Other names: c.2570C>A, p.Thr857Lys (NM_001407004.1); short protein forms T857K.
Identifiers: ClinVar variation 2022102 (VCV002022102.4), dbSNP rs397516158, ClinGen allele CA389048129.